The following is an entry in ClinVar:

ClinVar aggregate classification (germline): Likely benign (0 of 4 stars; one submission).

Conditions:
HYDIN-related disorder. Also called: HYDIN-related condition.

Allele frequency attached by ClinVar (database versions not stated): gnomAD exomes 0.00003; gnomAD 0.00005; TOPMed 0.00006; ExAC 0.00007; 1000 Genomes Project 30x 0.00016.
gnomAD v4.1: 57 of 1,614,150 alleles (0.0035%); highest among the groups gnomAD compares: Admixed American, 0.037%; no homozygotes.

Submission:

PreventionGenetics, part of Exact Sciences
Classification: Likely benign for HYDIN-related condition. Last evaluated: 2023-03-10. Review status: no assertion criteria provided. Collection method: clinical testing. Allele origin: germline.
Comment: This variant is classified as likely benign based on ACMG/AMP sequence variant interpretation guidelines (Richards et al. 2015 PMID: 25741868, with internal and published modifications).

NM_001270974.2(HYDIN):c.15192C>T (p.Arg5064=)

Gene: HYDIN (HYDIN axonemal central pair apparatus protein; minus strand). Cytogenetic location: 16q22.2.
Variant type: single nucleotide variant.
Coding change: c.15192C>T on transcript NM_001270974.2 (MANE Select); coding-DNA position 15192, C replaced by T.
Protein change: p.Arg5064=; no amino-acid change (arginine 5064 retained).
Molecular consequence: synonymous variant.
Genome position (GRCh38, 1-based): chr16:70,807,754, G>A on the plus strand (C>T on the coding strand, the complement: HYDIN is on the minus strand). VCF-style: chr16-70807754-G-A. GRCh37 (hg19) VCF-style: chr16-70841657-G-A.
Identifiers: ClinVar variation 3032607 (VCV003032607.2), dbSNP rs761964937, ClinGen allele CA8148280.